The following is an entry in ClinVar:

ClinVar aggregate classification (germline): Uncertain significance (1 of 4 stars; one submission).

gnomAD v4.1: 1 of 1,609,426 alleles (0.000062%); highest among the groups gnomAD compares: Admixed American, 0.0017%; no homozygotes.

Submission:

Labcorp Genetics (formerly Invitae), Labcorp
Classification: Uncertain significance. Last evaluated: 2024-07-06. Review status: criteria provided, single submitter. Criteria: Invitae Variant Classification Sherloc (09022015). Collection method: clinical testing. Allele origin: germline.
Comment: This sequence change replaces valine, which is neutral and non-polar, with methionine, which is neutral and non-polar, at codon 185 of the NAA15 protein (p.Val185Met). This variant is present in population databases (no rsID available, gnomAD 0.003%). This variant has not been reported in the literature in individuals affected with NAA15-related conditions. An algorithm developed to predict the effect of missense changes on protein structure and function (PolyPhen-2) suggests that this variant is likely to be tolerated. In summary, the available evidence is currently insufficient to determine the role of this variant in disease. Therefore, it has been classified as a Variant of Uncertain Significance.

NM_057175.5(NAA15):c.553G>A (p.Val185Met)

Gene: NAA15 (N-alpha-acetyltransferase 15, NatA auxiliary subunit; plus strand). Cytogenetic location: 4q31.1.
Variant type: single nucleotide variant.
Coding change: c.553G>A on transcript NM_057175.5 (MANE Select); coding-DNA position 553, G replaced by A.
Protein change: p.Val185Met; replaces valine 185 with methionine.
Molecular consequence: missense variant.
Genome position (GRCh38, 1-based): chr4:139,344,201, G>A. VCF-style: chr4-139344201-G-A. GRCh37 (hg19) VCF-style: chr4-140265355-G-A.
Other names: c.553G>A, p.Val185Met (NM_001410842.1); short protein forms V185M.
Identifiers: ClinVar variation 3697240 (VCV003697240.2).